The following is an entry in ClinVar:

ClinVar aggregate classification (germline): Uncertain significance (1 of 4 stars; one submission).

gnomAD v4.1: 1 of 1,614,188 alleles (0.000062%); highest among the groups gnomAD compares: Admixed American, 0.0017%; no homozygotes.

Submission:

GeneDx
Classification: Uncertain significance. Last evaluated: 2023-04-12. Review status: criteria provided, single submitter. Criteria: GeneDx Variant Classification Process June 2021. Collection method: clinical testing. Allele origin: germline. Affected: yes.
Comment: Not observed at significant frequency in large population cohorts (gnomAD); In silico analysis supports that this missense variant does not alter protein structure/function; Has not been previously published as pathogenic or benign to our knowledge

NM_003632.3(CNTNAP1):c.2170G>A (p.Val724Met)

Gene: CNTNAP1 (contactin associated protein 1; plus strand). Cytogenetic location: 17q21.2.
Variant type: single nucleotide variant.
Coding change: c.2170G>A on transcript NM_003632.3 (MANE Select); coding-DNA position 2170, G replaced by A.
Protein change: p.Val724Met; replaces valine 724 with methionine.
Molecular consequence: missense variant.
Genome position (GRCh38, 1-based): chr17:42,691,247, G>A. VCF-style: chr17-42691247-G-A. GRCh37 (hg19) VCF-style: chr17-40843265-G-A.
Other names: short protein forms V724M.
Identifiers: ClinVar variation 3343020 (VCV003343020.1).